The following is an entry in ClinVar:

NM_001394062.1(MACF1):c.2556G>A (p.Gln852=)

Gene: MACF1 (microtubule actin crosslinking factor 1; plus strand). Cytogenetic location: 1p34.3.
Variant type: single nucleotide variant.
Coding change: c.2556G>A on transcript NM_001394062.1 (MANE Select); coding-DNA position 2556, G replaced by A.
Protein change: p.Gln852=; no amino-acid change (glutamine 852 retained).
Molecular consequence: synonymous variant.
Genome position (GRCh38, 1-based): chr1:39,300,284, G>A. VCF-style: chr1-39300284-G-A. GRCh37 (hg19) VCF-style: chr1-39765956-G-A.
Other names: c.2571G>A, p.Gln857= (NM_012090.5).
Identifiers: ClinVar variation 4873882 (VCV004873882.2).

ClinVar aggregate classification (germline): Likely benign (1 of 4 stars; one submission).

gnomAD v4.1: 2 of 1,613,966 alleles (0.00012%); highest among the groups gnomAD compares: Non-Finnish European, 0.00017%; no homozygotes.

Submission:

CeGaT Center for Human Genetics Tuebingen
Classification: Likely benign. Last evaluated: 2026-05-01. Review status: criteria provided, single submitter. Criteria: CeGaT Center For Human Genetics Tuebingen Variant Classification Criteria Version 2. Collection method: clinical testing. Allele origin: germline. Affected: yes. Observed: 1 variant allele.
Comment: MACF1: BP4, BP7